The following is an entry in ClinVar:

ClinVar aggregate classification (germline): Conflicting classifications of pathogenicity. Review status: criteria provided, conflicting classifications (1 of 4 stars). 2 submissions from 2 submitters: Uncertain significance (1); Likely benign (1). Last evaluated 2022-05-20.

Conditions:
Primary ciliary dyskinesia. Also called: Ciliary dyskinesia. Identifiers: Orphanet 244, MedGen C0008780, MONDO:0016575, HP:0012265.

Allele frequency attached by ClinVar (database versions not stated): ExAC 0.00003; TOPMed 0.00017.
gnomAD v4.1: 38 of 1,613,998 alleles (0.0024%); highest among the groups gnomAD compares: African/African-American, 0.048%; no homozygotes.

Submissions (2):

Labcorp Genetics (formerly Invitae), Labcorp
Classification: Uncertain significance for Primary ciliary dyskinesia. Last evaluated: 2022-05-20. Review status: criteria provided, single submitter. Criteria: Invitae Variant Classification Sherloc (09022015). Collection method: clinical testing. Allele origin: germline.
Comment: This sequence change falls in intron 71 of the DNAH5 gene. It does not directly change the encoded amino acid sequence of the DNAH5 protein. It affects a nucleotide within the consensus splice site. This variant is present in population databases (rs762179184, gnomAD 0.06%). This variant has been observed in individual(s) with clinical features of DNAH5-related conditions (Invitae). ClinVar contains an entry for this variant (Variation ID: 257993). Variants that disrupt the consensus splice site are a relatively common cause of aberrant splicing (PMID: 17576681, 9536098). Algorithms developed to predict the effect of sequence changes on RNA splicing suggest that this variant is not likely to affect RNA splicing. In summary, the available evidence is currently insufficient to determine the role of this variant in disease. Therefore, it has been classified as a Variant of Uncertain Significance.

PreventionGenetics, part of Exact Sciences
Classification: Likely benign. Review status: criteria provided, single submitter. Criteria: ACMG Guidelines, 2015. Collection method: clinical testing. Allele origin: germline.

Literature cited by the submitters: PubMed 17576681 (cited by Labcorp Genetics (formerly Invitae), Labcorp); PubMed 9536098 (cited by Labcorp Genetics (formerly Invitae), Labcorp).

NM_001369.3(DNAH5):c.12279+6G>C

Gene: DNAH5 (dynein axonemal heavy chain 5; minus strand). Cytogenetic location: 5p15.2.
Variant type: single nucleotide variant.
Coding change: c.12279+6G>C on transcript NM_001369.3 (MANE Select); 6 bases into the intron after coding-DNA position 12279, G replaced by C.
Molecular consequence: intron variant.
Genome position (GRCh38, 1-based): chr5:13,720,994, C>G on the plus strand (G>C on the coding strand, the complement: DNAH5 is on the minus strand). VCF-style: chr5-13720994-C-G. GRCh37 (hg19) VCF-style: chr5-13721103-C-G.
Identifiers: ClinVar variation 257993 (VCV000257993.5), dbSNP rs762179184, ClinGen allele CA3201695.
Genomic context (GRCh38, chr5:13,720,994, plus strand): 5'-CTGCATTGCTATTCTATAACCTGTAATATGAACAGCATGGCACAAAAGTAGACTATTCAG[C>G]CTTACGTTCGCCATGGTCTGCTGCAAGAGCTTCCGAGCATGGACTTCCTGGCCCTGGCCC-3'